The following is an entry in ClinVar:

ClinVar aggregate classification (germline): Uncertain significance (1 of 4 stars; one submission).

Conditions:
Neuromuscular disease caused by qualitative or quantitative defects of dysferlin. Also called: Qualitative or quantitative defects of dysferlin; Dysferlinopathy. Identifiers: Orphanet 207073, MedGen C2931687, MONDO:0016145.

gnomAD v4.1: 13 of 1,613,166 alleles (0.00081%); highest among the groups gnomAD compares: Non-Finnish European, 0.0011%; no homozygotes.

Submission:

Labcorp Genetics (formerly Invitae), Labcorp
Classification: Uncertain significance for Neuromuscular disease caused by qualitative or quantitative defects of dysferlin. Last evaluated: 2021-12-28. Review status: criteria provided, single submitter. Criteria: Invitae Variant Classification Sherloc (09022015). Collection method: clinical testing. Allele origin: germline.
Comment: This sequence change falls in intron 47 of the DYSF gene. It does not directly change the encoded amino acid sequence of the DYSF protein. This variant is not present in population databases (gnomAD no frequency). This variant has not been reported in the literature in individuals affected with DYSF-related conditions. Algorithms developed to predict the effect of sequence changes on RNA splicing suggest that this variant may disrupt the consensus splice site. In summary, the available evidence is currently insufficient to determine the role of this variant in disease. Therefore, it has been classified as a Variant of Uncertain Significance.

NM_001130987.2(DYSF):c.5458-5C>G

Gene: DYSF (dysferlin; plus strand). Cytogenetic location: 2p13.2.
Variant type: single nucleotide variant.
Coding change: c.5458-5C>G on transcript NM_001130987.2 (MANE Select); 5 bases into the intron before coding-DNA position 5458, C replaced by G.
Molecular consequence: intron variant.
Genome position (GRCh38, 1-based): chr2:71,668,749, C>G. VCF-style: chr2-71668749-C-G. GRCh37 (hg19) VCF-style: chr2-71895879-C-G.
Other names: c.5434-5C>G (NM_001130979.2); c.5455-5C>G (NM_001130981.2); c.5392-5C>G (NM_001130980.2); c.5404-5C>G (NM_001130978.2); c.5341-5C>G (NM_003494.4); c.5362-5C>G (NM_001130977.2); c.5299-5C>G (NM_001130976.2); c.5437-5C>G (NM_001130982.2); and 5 more.
Identifiers: ClinVar variation 2077244 (VCV002077244.1), dbSNP rs780391061, ClinGen allele CA2573332283.